The following is an entry in ClinVar:

NM_016247.4(IMPG2):c.1240-1G>A

Gene: IMPG2 (interphotoreceptor matrix proteoglycan 2; minus strand). Cytogenetic location: 3q12.3.
Variant type: single nucleotide variant.
Coding change: c.1240-1G>A on transcript NM_016247.4 (MANE Select); the canonical splice acceptor site of the intron before coding-DNA position 1240, G replaced by A.
Molecular consequence: splice acceptor variant.
Genome position (GRCh38, 1-based): chr3:101,246,106, C>T on the plus strand (G>A on the coding strand, the complement: IMPG2 is on the minus strand). VCF-style: chr3-101246106-C-T. GRCh37 (hg19) VCF-style: chr3-100964950-C-T.
Identifiers: ClinVar variation 2819675 (VCV002819675.4), dbSNP rs2107222436, ClinGen allele CA353863097.
Genomic context (GRCh38, chr3:101,246,106, plus strand): 5'-TGGAATACTGCTGGTGATGGATTCATCTGCTGAGGGCCATGCAGCTTGAAAGGTATTATC[C>T]TGGGGGGAAAAAAAGGCTAAATCATATCATAGATAAAAGAAACATATAAAAAGTGATTTT-3'

ClinVar aggregate classification (germline): Likely pathogenic. Review status: criteria provided, multiple submitters, no conflicts (2 of 4 stars). 2 submissions from 2 submitters: Likely pathogenic (2). Last evaluated 2022-12-09.

Conditions:
IMPG2-related disorders.

Submissions (2):

Labcorp Genetics (formerly Invitae), Labcorp
Classification: Likely pathogenic. Last evaluated: 2022-12-09. Review status: criteria provided, single submitter. Criteria: Invitae Variant Classification Sherloc (09022015). Collection method: clinical testing. Allele origin: germline.
Comment: This variant is not present in population databases (gnomAD no frequency). In summary, the currently available evidence indicates that the variant is pathogenic, but additional data are needed to prove that conclusively. Therefore, this variant has been classified as Likely Pathogenic. Algorithms developed to predict the effect of sequence changes on RNA splicing suggest that this variant may disrupt the consensus splice site. This variant has not been reported in the literature in individuals affected with IMPG2-related conditions. This sequence change affects an acceptor splice site in intron 11 of the IMPG2 gene. It is expected to disrupt RNA splicing. Variants that disrupt the donor or acceptor splice site typically lead to a loss of protein function (PMID: 16199547), and loss-of-function variants in IMPG2 are known to be pathogenic (PMID: 20673862).

Blueprint Genetics
Classification: Likely pathogenic for IMPG2-related disorders. Last evaluated: 2022-11-28. Review status: criteria provided, single submitter. Criteria: ACMG Guidelines, 2015. Collection method: clinical testing. Allele origin: germline. Affected: yes. Observed: 1 variant allele.

Literature cited by the submitters: PubMed 16199547 (cited by Labcorp Genetics (formerly Invitae), Labcorp); PubMed 20673862 (cited by Labcorp Genetics (formerly Invitae), Labcorp).